The following is an entry in ClinVar:

NM_024312.5(GNPTAB):c.2334C>A (p.Ser778Arg)

Gene: GNPTAB (N-acetylglucosamine-1-phosphate transferase subunits alpha and beta; minus strand). Cytogenetic location: 12q23.2.
Variant type: single nucleotide variant.
Coding change: c.2334C>A on transcript NM_024312.5 (MANE Select); coding-DNA position 2334, C replaced by A.
Protein change: p.Ser778Arg; replaces serine 778 with arginine.
Molecular consequence: missense variant.
Genome position (GRCh38, 1-based): chr12:101,764,583, G>T on the plus strand (C>A on the coding strand, the complement: GNPTAB is on the minus strand). VCF-style: chr12-101764583-G-T. GRCh37 (hg19) VCF-style: chr12-102158361-G-T.
Other names: short protein forms S778R.
Identifiers: ClinVar variation 3758752 (VCV003758752.1).

ClinVar aggregate classification (germline): Uncertain significance (1 of 4 stars; one submission).

Conditions:
Mucolipidosis type II. Also called: Mucolipidosis II Alpha/Beta; ML II ALPHA/BETA; Mucolipidosis 2; ML 2; Inclusion cell disease; Leroy Disease. Identifiers: Orphanet 576, MedGen C2673377, MONDO:0009650, OMIM 252500.
Pseudo-Hurler polydystrophy. Also called: ML III; ML III ALPHA/BETA; Type III Mucolipidosis; ML IIIA; Mucolipidosis III Alpha/Beta; MUCOLIPIDOSIS IIIA. Identifiers: Orphanet 423461, Orphanet 577, MedGen C0033788, MONDO:0018931, OMIM 252600.

gnomAD v4.1: 12 of 1,614,036 alleles (0.00074%); highest among the groups gnomAD compares: Non-Finnish European, 0.001%; no homozygotes.

Submission:

Labcorp Genetics (formerly Invitae), Labcorp
Classification: Uncertain significance for Pseudo-Hurler polydystrophy; Mucolipidosis type II. Last evaluated: 2024-03-05. Review status: criteria provided, single submitter. Criteria: Invitae Variant Classification Sherloc (09022015). Collection method: clinical testing. Allele origin: germline.
Comment: This sequence change replaces serine, which is neutral and polar, with arginine, which is basic and polar, at codon 778 of the GNPTAB protein (p.Ser778Arg). This variant is present in population databases (rs371253750, gnomAD 0.0009%). This variant has not been reported in the literature in individuals affected with GNPTAB-related conditions. Advanced modeling of protein sequence and biophysical properties (such as structural, functional, and spatial information, amino acid conservation, physicochemical variation, residue mobility, and thermodynamic stability) performed at Invitae indicates that this missense variant is not expected to disrupt GNPTAB protein function with a negative predictive value of 80%. In summary, the available evidence is currently insufficient to determine the role of this variant in disease. Therefore, it has been classified as a Variant of Uncertain Significance.